The following is an entry in ClinVar:

ClinVar aggregate classification (germline): Likely pathogenic (1 of 4 stars; one submission).

Conditions:
Cohen syndrome (COH1). Also called: PEPPER SYNDROME; Cutis verticis gyrata, retinitis pigmentosa, and sensorineural deafness. Identifiers: Orphanet 193, MedGen C0265223, MONDO:0008999, OMIM 216550.

Submission:

Myriad Genetics, Inc.
Classification: Likely pathogenic for Cohen syndrome. Last evaluated: 2022-01-02. Review status: criteria provided, single submitter. Criteria: Myriad Women's Health Autosomal Recessive and X-Linked Classification Criteria (2021). Collection method: clinical testing. Allele origin: unknown.
Comment: NM_017890.4(VPS13B):c.2221C>T(Q741*) is expected to be pathogenic in the context of Cohen syndrome. This variant is predicted to lead to an abnormal or absent protein product due to the creation of a premature termination codon in VPS13B, a gene where loss-of-function variants are known to be pathogenic. Please note: this variant was assessed in the context of healthy population screening.

NM_152564.5(VPS13B):c.2221C>T (p.Gln741Ter)

Gene: VPS13B (vacuolar protein sorting 13 homolog B; plus strand). Cytogenetic location: 8q22.2.
Variant type: single nucleotide variant.
Coding change: c.2221C>T on transcript NM_152564.5 (MANE Select); coding-DNA position 2221, C replaced by T.
Protein change: p.Gln741Ter; replaces glutamine 741 with a stop codon.
Molecular consequence: nonsense.
Genome position (GRCh38, 1-based): chr8:99,170,051, C>T. VCF-style: chr8-99170051-C-T. GRCh37 (hg19) VCF-style: chr8-100182279-C-T.
Other names: c.2221C>T, p.Gln741Ter (NM_015243.3, NM_017890.5); short protein forms Q741*.
Identifiers: ClinVar variation 1726941 (VCV001726941.2), dbSNP rs2488877336, ClinGen allele CA371865316.
Genomic context (GRCh38, chr8:99,170,051, plus strand): 5'-TTAAAACTTTGTCTGTGTGAACACTTGCATCTTTTCTTTTTGTTTTAGATATTTGGTTTC[C>T]AGGCAGGACTGACGTCTTTGGATTGCAGTGGATCTTACTGCTTACCTGTACCAGTTATTC-3'